The following is an entry in ClinVar:

NM_016169.4(SUFU):c.28C>G (p.Pro10Ala)

Genes: SUFU (SUFU negative regulator of hedgehog signaling; plus strand), LOC130004614 (ATAC-STARR-seq lymphoblastoid silent region 2764; plus strand). Cytogenetic location: 10q24.32.
Variant type: single nucleotide variant.
Coding change: c.28C>G on transcript NM_016169.4 (MANE Select); coding-DNA position 28, C replaced by G.
Protein change: p.Pro10Ala; replaces proline 10 with alanine.
Molecular consequence: missense variant.
Genome position (GRCh38, 1-based): chr10:102,504,180, C>G. VCF-style: chr10-102504180-C-G. GRCh37 (hg19) VCF-style: chr10-104263937-C-G.
Other names: c.28C>G, p.Pro10Ala (NM_001178133.2); short protein forms P10A.
Identifiers: ClinVar variation 2944110 (VCV002944110.3), dbSNP rs975936230, ClinGen allele CA377886145.

ClinVar aggregate classification (germline): Uncertain significance (1 of 4 stars; one submission).

Conditions:
Gorlin syndrome. Also called: Nevoid Basal Cell Carcinoma Syndrome; Basal cell nevus syndrome. Identifiers: Orphanet 377, MedGen C0004779, MONDO:0007187.
Medulloblastoma (MDB). Also called: MEDULLOBLASTOMA PREDISPOSITION SYNDROME; Medulloblastoma, somatic. Identifiers: Orphanet 616, MedGen C0025149, MeSH D008527, MONDO:0007959, OMIM 155255, HP:0002885.

Submission:

Labcorp Genetics (formerly Invitae), Labcorp
Classification: Uncertain significance for Gorlin syndrome; Medulloblastoma. Last evaluated: 2023-02-10. Review status: criteria provided, single submitter. Criteria: Invitae Variant Classification Sherloc (09022015). Collection method: clinical testing. Allele origin: germline.
Comment: This variant is not present in population databases (gnomAD no frequency). In summary, the available evidence is currently insufficient to determine the role of this variant in disease. Therefore, it has been classified as a Variant of Uncertain Significance. Algorithms developed to predict the effect of missense changes on protein structure and function are either unavailable or do not agree on the potential impact of this missense change (SIFT: "Tolerated"; PolyPhen-2: "Possibly Damaging"; Align-GVGD: "Class C0"). This variant has not been reported in the literature in individuals affected with SUFU-related conditions. This sequence change replaces proline, which is neutral and non-polar, with alanine, which is neutral and non-polar, at codon 10 of the SUFU protein (p.Pro10Ala).